The following is an entry in ClinVar:

ClinVar aggregate classification (germline): Likely benign (0 of 4 stars; one submission).

Conditions:
ISL1-related disorder. Also called: ISL1-related condition.

Submission:

PreventionGenetics, part of Exact Sciences
Classification: Likely benign for ISL1-related condition. Last evaluated: 2024-04-17. Review status: no assertion criteria provided. Collection method: clinical testing. Allele origin: germline.
Comment: This variant is classified as likely benign based on ACMG/AMP sequence variant interpretation guidelines (Richards et al. 2015 PMID: 25741868, with internal and published modifications).

NM_002202.3(ISL1):c.192A>G (p.Lys64=)

Gene: ISL1 (ISL LIM homeobox 1; plus strand). Cytogenetic location: 5q11.1.
Variant type: single nucleotide variant.
Coding change: c.192A>G on transcript NM_002202.3 (MANE Select); coding-DNA position 192, A replaced by G.
Protein change: p.Lys64=; no amino-acid change (lysine 64 retained).
Molecular consequence: synonymous variant.
Genome position (GRCh38, 1-based): chr5:51,384,704, A>G. VCF-style: chr5-51384704-A-G. GRCh37 (hg19) VCF-style: chr5-50680538-A-G.
Identifiers: ClinVar variation 3344554 (VCV003344554.1).